The following is an entry in ClinVar:

ClinVar aggregate classification (germline): Uncertain significance. Review status: criteria provided, multiple submitters, no conflicts (2 of 4 stars). 3 submissions from 3 submitters: Uncertain significance (3). Last evaluated 2024-10-23.

Conditions:
Hypogonadotropic hypogonadism 5 with or without anosmia (KAL5). Also called: HYPOGONADOTROPIC HYPOGONADISM 5 WITH ANOSMIA; CHD7-Related GnRH Deficiency (Kallmann Syndrome 5); HYPOGONADOTROPHIC HYPOGONADISM 5 WITHOUT ANOSMIA. Identifiers: Orphanet 478, MedGen C3552553, MONDO:0012880, OMIM 612370. Disease mechanism: loss of function.
CHARGE syndrome (CHARGE). Also called: Hittner Hirsch Kreh syndrome; CHARGE ASSOCIATION--COLOBOMA, HEART ANOMALY, CHOANAL ATRESIA, RETARDATION, GENITAL AND EAR ANOMALIES; Coloboma, heart anomaly, choanal atresia, retardation, genital and ear anomalies; CHARGE association; Hall-Hittner syndrome. Identifiers: Orphanet 138, MedGen C0265354, MONDO:0008965.

Allele frequency attached by ClinVar (database versions not stated): gnomAD exomes below 0.00001; ExAC 0.00001; TOPMed 0.00001.
gnomAD v4.1: 3 of 1,613,740 alleles (0.00019%); highest among the groups gnomAD compares: Admixed American, 0.0033%; no homozygotes.

Submissions (3):

Labcorp Genetics (formerly Invitae), Labcorp
Classification: Uncertain significance for CHARGE syndrome. Last evaluated: 2024-10-23. Review status: criteria provided, single submitter. Criteria: Invitae Variant Classification Sherloc (09022015). Collection method: clinical testing. Allele origin: germline.
Comment: This sequence change replaces glycine, which is neutral and non-polar, with glutamic acid, which is acidic and polar, at codon 388 of the CHD7 protein (p.Gly388Glu). This variant is present in population databases (rs757050240, gnomAD 0.003%). This missense change has been observed in individual(s) with Kallmann syndrome (PMID: 30733481). ClinVar contains an entry for this variant (Variation ID: 1308473). Invitae Evidence Modeling of protein sequence and biophysical properties (such as structural, functional, and spatial information, amino acid conservation, physicochemical variation, residue mobility, and thermodynamic stability) has been performed for this missense variant. However, the output from this modeling did not meet the statistical confidence thresholds required to predict the impact of this variant on CHD7 protein function. In summary, the available evidence is currently insufficient to determine the role of this variant in disease. Therefore, it has been classified as a Variant of Uncertain Significance.

Fulgent Genetics
Classification: Uncertain significance for CHD7-related CHARGE syndrome; Hypogonadotropic hypogonadism 5 with or without anosmia. Last evaluated: 2021-11-22. Review status: criteria provided, single submitter. Criteria: ACMG Guidelines, 2015. Collection method: clinical testing. Allele origin: unknown.

GeneDx
Classification: Uncertain significance. Last evaluated: 2019-04-08. Review status: criteria provided, single submitter. Criteria: GeneDx Variant Classification Process June 2021. Collection method: clinical testing. Allele origin: germline. Affected: yes.
Comment: Observed in an individual with micropenis, cryptorchidism, delayed puberty, anosmia and pituitary hypoplasia, in which the variant was inherited by a parent with no clinical features reported (Goncalves et al., 2019); Not observed at a significant frequency in large population cohorts (Lek et al., 2016); In silico analysis, which includes protein predictors and evolutionary conservation, supports a deleterious effect; This variant is associated with the following publications: (PMID: 30733481)

Literature cited by the submitters: PubMed 30733481 (cited by Labcorp Genetics (formerly Invitae), Labcorp).

NM_017780.4(CHD7):c.1163G>A (p.Gly388Glu)

Gene: CHD7 (chromodomain helicase DNA binding protein 7; plus strand). Cytogenetic location: 8q12.2.
Variant type: single nucleotide variant.
Coding change: c.1163G>A on transcript NM_017780.4 (MANE Select); coding-DNA position 1163, G replaced by A.
Protein change: p.Gly388Glu; replaces glycine 388 with glutamic acid.
Molecular consequence: missense variant.
Genome position (GRCh38, 1-based): chr8:60,742,595, G>A. VCF-style: chr8-60742595-G-A. GRCh37 (hg19) VCF-style: chr8-61655154-G-A.
Other names: c.1163G>A, p.Gly388Glu (NM_001316690.1); short protein forms G388E.
Identifiers: ClinVar variation 1308473 (VCV001308473.7), dbSNP rs757050240, ClinGen allele CA4759439.